The following is an entry in ClinVar:

ClinVar aggregate classification (germline): Conflicting classifications of pathogenicity. Review status: criteria provided, conflicting classifications (1 of 4 stars). 5 submissions from 5 submitters: Uncertain significance (4); Likely benign (1). Last evaluated 2025-10-08.

Conditions:
RYR1-related disorder. Also called: RYR1-related disorders; RYR1-related condition. Identifiers: MedGen CN239331.
Malignant hyperthermia, susceptibility to, 1 (MHS1). Also called: Anesthesia related hyperthermia; Malignant hyperpyrexia; Fulminating hyperpyrexia; Pharmacogenic myopathy; RYR1-Related Malignant Hyperthermia Susceptibility; Malignant hyperthermia suceptibility 1. Identifiers: Orphanet 423, MedGen C2930980, MONDO:0007783, OMIM 145600.

Allele frequency attached by ClinVar (database versions not stated): gnomAD below 0.00001 and 0.00003; TOPMed 0.00001; gnomAD exomes 0.00005 and 0.00008; ExAC 0.00010; 1000 Genomes Project 30x 0.00016; 1000 Genomes Project 0.00020.
gnomAD v4.1: 79 of 1,614,118 alleles (0.0049%); highest among the groups gnomAD compares: South Asian, 0.069%; no homozygotes.

Submissions (5):

Labcorp Genetics (formerly Invitae), Labcorp
Classification: Likely benign for RYR1-related disorder. Last evaluated: 2025-10-08. Review status: criteria provided, single submitter. Criteria: Invitae Variant Classification Sherloc (09022015). Collection method: clinical testing. Allele origin: germline.

All of Us Research Program, National Institutes of Health
Classification: Uncertain significance for Malignant hyperthermia, susceptibility to, 1. Last evaluated: 2024-09-27. Review status: criteria provided, single submitter. Criteria: ACMG Guidelines, 2015. Collection method: clinical testing. Allele origin: germline. Inheritance: Autosomal dominant inheritance. Observed: 11 variant alleles, 11 heterozygotes.
Comment: This missense variant replaces histidine with arginine at codon 404 of the RYR1 protein. Computational prediction suggests that this variant may not impact protein structure and function (internally defined REVEL score threshold <= 0.5, PMID: 27666373). To our knowledge, functional studies have not been reported for this variant. This variant has not been reported in individuals affected with RYR1-related disorders in the literature. This variant has been identified in 21/251452 chromosomes in the general population by the Genome Aggregation Database (gnomAD). The available evidence is insufficient to determine the role of this variant in disease conclusively. Therefore, this variant is classified as a Variant of Uncertain Significance.

This study involves interpretation of variants in research participants for the purpose of population health screening. Participant phenotype was not available at the time of variant classification. Additional details can be found in publication PMID: 35346344, PMCID: PMC8962531

Color Diagnostics, LLC DBA Color Health
Classification: Uncertain significance for Malignant hyperthermia, susceptibility to, 1. Last evaluated: 2024-03-21. Review status: criteria provided, single submitter. Criteria: ACMG Guidelines, 2015. Collection method: clinical testing. Allele origin: germline.
Comment: This missense variant replaces histidine with arginine at codon 404 of the RYR1 protein. Computational prediction suggests that this variant may not impact protein structure and function. To our knowledge, functional studies have not been reported for this variant. This variant has not been reported in individuals affected with RYR1-related disorders in the literature. This variant has been identified in 21/251452 chromosomes in the general population by the Genome Aggregation Database (gnomAD). The available evidence is insufficient to determine the role of this variant in disease conclusively. Therefore, this variant is classified as a Variant of Uncertain Significance.

Revvity Omics, Revvity
Classification: Uncertain significance. Last evaluated: 2022-10-12. Review status: criteria provided, single submitter. Criteria: ACMG Guidelines, 2015. Collection method: clinical testing. Allele origin: germline.

PreventionGenetics, part of Exact Sciences
Classification: Uncertain significance. Last evaluated: 2015-08-12. Review status: criteria provided, single submitter. Criteria: ACMG Guidelines, 2015. Collection method: clinical testing. Allele origin: germline.

NM_000540.3(RYR1):c.1211A>G (p.His404Arg)

Gene: RYR1 (ryanodine receptor 1; plus strand). Cytogenetic location: 19q13.2.
Variant type: single nucleotide variant.
Coding change: c.1211A>G on transcript NM_000540.3 (MANE Select); coding-DNA position 1211, A replaced by G.
Protein change: p.His404Arg; replaces histidine 404 with arginine.
Molecular consequence: missense variant.
Genome position (GRCh38, 1-based): chr19:38,451,852, A>G. VCF-style: chr19-38451852-A-G. GRCh37 (hg19) VCF-style: chr19-38942492-A-G.
Other names: c.1211A>G, p.His404Arg (NM_001042723.2); short protein forms H404R.
Identifiers: ClinVar variation 590396 (VCV000590396.19), dbSNP rs561546643, ClinGen allele CA058344.